The following is an entry in ClinVar:

ClinVar aggregate classification (germline): Uncertain significance (1 of 4 stars; one submission).

Allele frequency attached by ClinVar (database versions not stated): gnomAD exomes below 0.00001; TOPMed below 0.00001; gnomAD 0.00001.
gnomAD v4.1: 7 of 1,582,466 alleles (0.00044%); highest among the groups gnomAD compares: South Asian, 0.0011%; no homozygotes.

Submission:

Labcorp Genetics (formerly Invitae), Labcorp
Classification: Uncertain significance. Last evaluated: 2023-08-09. Review status: criteria provided, single submitter. Criteria: Invitae Variant Classification Sherloc (09022015). Collection method: clinical testing. Allele origin: germline.
Comment: In summary, the available evidence is currently insufficient to determine the role of this variant in disease. Therefore, it has been classified as a Variant of Uncertain Significance. Algorithms developed to predict the effect of sequence changes on RNA splicing suggest that this variant may create or strengthen a splice site. Algorithms developed to predict the effect of missense changes on protein structure and function output the following: SIFT: "Not Available"; PolyPhen-2: "Benign"; Align-GVGD: "Not Available". The valine amino acid residue is found in multiple mammalian species, which suggests that this missense change does not adversely affect protein function. This variant has not been reported in the literature in individuals affected with LONP1-related conditions. This variant is not present in population databases (gnomAD no frequency). This sequence change replaces alanine, which is neutral and non-polar, with valine, which is neutral and non-polar, at codon 53 of the LONP1 protein (p.Ala53Val).

NM_004793.4(LONP1):c.158C>T (p.Ala53Val)

Gene: LONP1 (lon peptidase 1, mitochondrial; minus strand). Cytogenetic location: 19p13.3.
Variant type: single nucleotide variant.
Coding change: c.158C>T on transcript NM_004793.4 (MANE Select); coding-DNA position 158, C replaced by T.
Protein change: p.Ala53Val; replaces alanine 53 with valine.
Molecular consequence: missense variant. On other transcripts: intron variant (2).
Genome position (GRCh38, 1-based): chr19:5,719,975, G>A on the plus strand (C>T on the coding strand, the complement: LONP1 is on the minus strand). VCF-style: chr19-5719975-G-A. GRCh37 (hg19) VCF-style: chr19-5719986-G-A.
Other names: c.-160+244C>T (NM_001276480.1); c.124+34C>T (NM_001276479.2); short protein forms A53V.
Identifiers: ClinVar variation 2879215 (VCV002879215.3), dbSNP rs1429087601, ClinGen allele CA403544203.